The following is an entry in ClinVar:

ClinVar aggregate classification (germline): Uncertain significance (1 of 4 stars; one submission).

Conditions:
Cornelia de Lange syndrome 1 (CDLS1). Also called: NIPBL-Related Cornelia de Lange Syndrome; TYPUS DEGENERATIVUS AMSTELODAMENSIS; Brachmann de Lange syndrome. Identifiers: Orphanet 199, MedGen C4551851, MONDO:0007387, OMIM 122470.

Allele frequency attached by ClinVar (database versions not stated): gnomAD exomes below 0.00001; gnomAD 0.00005; TOPMed 0.00005.
gnomAD v4.1: 9 of 1,613,234 alleles (0.00056%); highest among the groups gnomAD compares: Admixed American, 0.015%; no homozygotes.

Submission:

Labcorp Genetics (formerly Invitae), Labcorp
Classification: Uncertain significance for Cornelia de Lange syndrome 1. Last evaluated: 2023-02-16. Review status: criteria provided, single submitter. Criteria: Invitae Variant Classification Sherloc (09022015). Collection method: clinical testing. Allele origin: germline.
Comment: In summary, the available evidence is currently insufficient to determine the role of this variant in disease. Therefore, it has been classified as a Variant of Uncertain Significance. Advanced modeling of protein sequence and biophysical properties (such as structural, functional, and spatial information, amino acid conservation, physicochemical variation, residue mobility, and thermodynamic stability) performed at Invitae indicates that this missense variant is not expected to disrupt NIPBL protein function. This variant has not been reported in the literature in individuals affected with NIPBL-related conditions. This variant is present in population databases (no rsID available, gnomAD 0.009%). This sequence change replaces tyrosine, which is neutral and polar, with cysteine, which is neutral and slightly polar, at codon 1117 of the NIPBL protein (p.Tyr1117Cys).

NM_133433.4(NIPBL):c.3350A>G (p.Tyr1117Cys)

Gene: NIPBL (NIPBL cohesin loading factor; plus strand). Cytogenetic location: 5p13.2.
Variant type: single nucleotide variant.
Coding change: c.3350A>G on transcript NM_133433.4 (MANE Select); coding-DNA position 3350, A replaced by G.
Protein change: p.Tyr1117Cys; replaces tyrosine 1117 with cysteine.
Molecular consequence: missense variant.
Genome position (GRCh38, 1-based): chr5:37,000,418, A>G. VCF-style: chr5-37000418-A-G. GRCh37 (hg19) VCF-style: chr5-37000520-A-G.
Other names: c.3350A>G, p.Tyr1117Cys (NM_015384.5); short protein forms Y1117C.
Identifiers: ClinVar variation 2734275 (VCV002734275.3), dbSNP rs1443645418, ClinGen allele CA359517455.